The following is an entry in ClinVar:

ClinVar aggregate classification (germline): Uncertain significance. Review status: criteria provided, multiple submitters, no conflicts (2 of 4 stars). 2 submissions from 2 submitters: Uncertain significance (2). Last evaluated 2024-09-30.

Conditions:
Hereditary cancer-predisposing syndrome. Also called: Neoplastic Syndromes, Hereditary; Tumor predisposition; Hereditary Cancer Syndrome; Hereditary neoplastic syndrome. Identifiers: Orphanet 140162, MedGen C0027672, MeSH D009386, MONDO:0015356.
Hereditary breast ovarian cancer syndrome. Also called: Hereditary breast and ovarian cancer syndrome; Hereditary breast and ovarian cancer; Hereditary breast and ovarian cancer syndrome (HBOC); Hereditary breast and/or ovarian cancer syndrome; Breast and ovarian cancer; BRCA1- and BRCA2-Associated Hereditary Breast and Ovarian Cancer. Identifiers: Orphanet 145, MedGen C0677776, MeSH D061325, MONDO:0003582. Disease mechanism: loss of function.

Submissions (2):

Color Diagnostics, LLC DBA Color Health
Classification: Uncertain significance for Hereditary cancer-predisposing syndrome. Last evaluated: 2024-09-30. Review status: criteria provided, single submitter. Criteria: ACMG Guidelines, 2015. Collection method: clinical testing. Allele origin: germline.
Comment: This variant causes a 6-basepair deletion encompassing the last 4 bases of intron 1 and the first 2 bases of exon 2 of the BRCA1 gene. Based on splicing predictors, this variant abolishes the intron 1 splice acceptor site and activates a cryptic splice acceptor site in exon 2, predicted to cause a deletion c.-19_-7del in the 5' untranslated region (PMID: 30661751, 35449021). To our knowledge, functional and RNA studies have not been reported for this variant. This variant has not been reported in individuals affected with BRCA1-related disorders in the literature. This variant has not been identified in the general population by the Genome Aggregation Database (gnomAD). The available evidence is insufficient to determine the role of this variant in disease conclusively. Therefore, this variant is classified as a Variant of Uncertain Significance.

Labcorp Genetics (formerly Invitae), Labcorp
Classification: Uncertain significance for Hereditary breast ovarian cancer syndrome. Last evaluated: 2022-03-26. Review status: criteria provided, single submitter. Criteria: Invitae Variant Classification Sherloc (09022015). Collection method: clinical testing. Allele origin: germline.
Comment: In summary, the available evidence is currently insufficient to determine the role of this variant in disease. Therefore, it has been classified as a Variant of Uncertain Significance. Variants that disrupt the consensus splice site are a relatively common cause of aberrant splicing (PMID: 17576681, 9536098). Algorithms developed to predict the effect of sequence changes on RNA splicing suggest that this variant may disrupt the consensus splice site. This variant has not been reported in the literature in individuals affected with BRCA1-related conditions. This variant is not present in population databases (gnomAD no frequency). This sequence change falls in intron 1 of the BRCA1 gene. It does not directly change the encoded amino acid sequence of the BRCA1 protein. It affects a nucleotide within the consensus splice site.

Literature cited by the submitters: PubMed 30661751 (cited by Color Diagnostics, LLC DBA Color Health); PubMed 35449021 (cited by Color Diagnostics, LLC DBA Color Health); PubMed 17576681 (cited by Labcorp Genetics (formerly Invitae), Labcorp); PubMed 9536098 (cited by Labcorp Genetics (formerly Invitae), Labcorp).

NM_007294.4(BRCA1):c.-19-4_-18del

Gene: BRCA1 (BRCA1 DNA repair associated; minus strand). Cytogenetic location: 17q21.31.
Variant type: Deletion.
Coding change: c.-19-4_-18del on transcript NM_007294.4 (MANE Select); 4 bases into the intron before 19 bases upstream of the start codon through 18 bases upstream of the start codon, 6 bases deleted (AAAGTT; older notation c.-19-4_-18delAAAGTT).
Molecular consequence: splice acceptor variant.
Genome position (GRCh38, 1-based): chr17:43,124,114-43,124,119, AACTTT deleted on the plus strand (AAAGTT on the coding strand, the reverse complement: BRCA1 is on the minus strand); deleting any 6 consecutive bases within chr17:43,124,114-43,124,122 gives the same sequence; the c. name uses the placement nearest the transcript's 3' end. VCF-style (leftmost placement, unchanged base first): chr17-43124113-GAACTTT-G. GRCh37 (hg19) VCF-style: chr17-41276130-GAACTTT-G.
Other names: c.-26_-21delGTTAAA (NM_001407593.1, NM_001407610.1, NM_001407621.1 and 6 more transcripts); c.-214_-209delGTTAAA (NM_001408483.1); c.-106-4_-105del (NM_007297.4); c.-19-4_-18del (NM_007299.4, NM_007300.4).
Identifiers: ClinVar variation 2117744 (VCV002117744.5), dbSNP rs2552279078, ClinGen allele CA2580093993.